The following is an entry in ClinVar:

NM_012082.4(ZFPM2):c.518T>C (p.Ile173Thr)

Gene: ZFPM2 (zinc finger protein, FOG family member 2; plus strand). Cytogenetic location: 8q23.1.
Variant type: single nucleotide variant.
Coding change: c.518T>C on transcript NM_012082.4 (MANE Select); coding-DNA position 518, T replaced by C.
Protein change: p.Ile173Thr; replaces isoleucine 173 with threonine.
Molecular consequence: missense variant.
Genome position (GRCh38, 1-based): chr8:105,634,343, T>C. VCF-style: chr8-105634343-T-C. GRCh37 (hg19) VCF-style: chr8-106646571-T-C.
Other names: c.359T>C, p.Ile120Thr (NM_001362836.2); c.122T>C, p.Ile41Thr (NM_001362837.2); short protein forms I120T, I173T, I41T.
Identifiers: ClinVar variation 1320846 (VCV001320846.2), dbSNP rs2130839797, ClinGen allele CA372026694.

ClinVar aggregate classification (germline): Uncertain significance (1 of 4 stars; one submission).

gnomAD v4.1: 1 of 1,611,880 alleles (0.000062%); highest among the groups gnomAD compares: South Asian, 0.0011%; no homozygotes.

Submission:

GeneDx
Classification: Uncertain significance. Last evaluated: 2019-07-23. Review status: criteria provided, single submitter. Criteria: GeneDx Variant Classification Process June 2021. Collection method: clinical testing. Allele origin: germline. Affected: yes.
Comment: Not observed in large population cohorts (Lek et al., 2016); In silico analysis, which includes protein predictors and evolutionary conservation, supports that this variant does not alter protein structure/function; Has not been previously published as pathogenic or benign to our knowledge